The following is an entry in ClinVar:

ClinVar aggregate classification (germline): Uncertain significance. Review status: criteria provided, multiple submitters, no conflicts (2 of 4 stars). 5 submissions from 5 submitters: Uncertain significance (5). Last evaluated 2024-07-09.

Conditions:
MYH6-related disorder. Also called: MYH6-related condition; MYH6-Related Disorders.
Atrial septal defect 3 (ASD3). Identifiers: Orphanet 1478, MedGen C3279790, MONDO:0013567, OMIM 614089.
Dilated cardiomyopathy 1EE (CMD1EE). Identifiers: Orphanet 154, MedGen C2750466, MONDO:0013198, OMIM 613252.
Hypertrophic cardiomyopathy 14. Identifiers: MedGen C2750467, MONDO:0013197, OMIM 613251.
Sick sinus syndrome 3, susceptibility to (SSS3). Identifiers: Orphanet 166282, MedGen C3279791, MONDO:0013568, OMIM 614090.
Hypertrophic cardiomyopathy 1 (CMH1). Also called: Familial hypertrophic cardiomyopathy 1; MYH7-Related Familial Hypertrophic Cardiomyopathy. Identifiers: MedGen C3495498, MONDO:0008647, OMIM 192600.
Cardiovascular phenotype. Identifiers: MedGen CN230736.

Allele frequency attached by ClinVar (database versions not stated): ExAC 0.00001; TOPMed 0.00003.

Submissions (5):

Labcorp Genetics (formerly Invitae), Labcorp
Classification: Uncertain significance for Hypertrophic cardiomyopathy 14. Last evaluated: 2024-07-09. Review status: criteria provided, single submitter. Criteria: Invitae Variant Classification Sherloc (09022015). Collection method: clinical testing. Allele origin: germline.
Comment: This sequence change replaces glycine, which is neutral and non-polar, with serine, which is neutral and polar, at codon 232 of the MYH6 protein (p.Gly232Ser). This variant is present in population databases (rs587782960, gnomAD 0.003%). This variant has not been reported in the literature in individuals affected with MYH6-related conditions. ClinVar contains an entry for this variant (Variation ID: 155810). Advanced modeling of protein sequence and biophysical properties (such as structural, functional, and spatial information, amino acid conservation, physicochemical variation, residue mobility, and thermodynamic stability) performed at Invitae indicates that this missense variant is expected to disrupt MYH6 protein function with a positive predictive value of 80%. In summary, the available evidence is currently insufficient to determine the role of this variant in disease. Therefore, it has been classified as a Variant of Uncertain Significance.

GeneDx
Classification: Uncertain significance. Last evaluated: 2024-01-12. Review status: criteria provided, single submitter. Criteria: GeneDx Variant Classification Process June 2021. Collection method: clinical testing. Allele origin: germline. Affected: yes.
Comment: Not observed at significant frequency in large population cohorts (gnomAD); In silico analysis supports that this missense variant has a deleterious effect on protein structure/function; Has not been previously published as pathogenic or benign to our knowledge

Ambry Genetics
Classification: Uncertain significance for Cardiovascular phenotype. Last evaluated: 2022-10-26. Review status: criteria provided, single submitter. Criteria: Ambry Variant Classification Scheme 2023. Collection method: clinical testing. Allele origin: germline.

PreventionGenetics, part of Exact Sciences
Classification: Uncertain significance for MYH6-related condition. Last evaluated: 2022-09-27. Review status: criteria provided, single submitter. Criteria: ACMG Guidelines, 2015. Collection method: clinical testing. Allele origin: germline.
Comment: The MYH6 c.694G>A variant is predicted to result in the amino acid substitution p.Gly232Ser. To our knowledge, this variant has not been reported in the literature. This variant is reported in 0.0033% of alleles in individuals of South Asian descent in gnomAD. At this time, the clinical significance of this variant is uncertain due to the absence of conclusive functional and genetic evidence.

Fulgent Genetics
Classification: Uncertain significance for Hypertrophic cardiomyopathy 1; Hypertrophic cardiomyopathy 14; Dilated cardiomyopathy 1EE; Atrial septal defect 3; Sick sinus syndrome 3, susceptibility to. Last evaluated: 2021-11-22. Review status: criteria provided, single submitter. Criteria: ACMG Guidelines, 2015. Collection method: clinical testing. Allele origin: unknown.

NM_002471.4(MYH6):c.694G>A (p.Gly232Ser)

Gene: MYH6 (myosin heavy chain 6; minus strand). Cytogenetic location: 14q11.2.
Variant type: single nucleotide variant.
Coding change: c.694G>A on transcript NM_002471.4 (MANE Select); coding-DNA position 694, G replaced by A.
Protein change: p.Gly232Ser; replaces glycine 232 with serine.
Molecular consequence: missense variant.
Genome position (GRCh38, 1-based): chr14:23,404,337, C>T on the plus strand (G>A on the coding strand, the complement: MYH6 is on the minus strand). VCF-style: chr14-23404337-C-T. GRCh37 (hg19) VCF-style: chr14-23873546-C-T.
Other names: short protein forms G232S.
Identifiers: ClinVar variation 155810 (VCV000155810.10), dbSNP rs587782960, ClinGen allele CA345831.